The following is an entry in ClinVar:

NM_001282684.2(KCTD17):c.611A>C (p.Lys204Thr)

Gene: KCTD17 (potassium channel tetramerization domain containing 17; plus strand). Cytogenetic location: 22q12.3.
Variant type: single nucleotide variant.
Coding change: c.611A>C on transcript NM_001282684.2 (MANE Select); coding-DNA position 611, A replaced by C.
Protein change: p.Lys204Thr; replaces lysine 204 with threonine.
Molecular consequence: missense variant.
Genome position (GRCh38, 1-based): chr22:37,059,437, A>C. VCF-style: chr22-37059437-A-C. GRCh37 (hg19) VCF-style: chr22-37455477-A-C.
Other names: c.611A>C, p.Lys204Thr (NM_001282685.2, NM_001282686.2, NM_024681.4); short protein forms K211T, K204T.
Identifiers: ClinVar variation 655603 (VCV000655603.8), dbSNP rs1601495664, ClinGen allele CA411415068.

ClinVar aggregate classification (germline): Uncertain significance (1 of 4 stars; one submission).

Conditions:
Myoclonic dystonia 26. Identifiers: MedGen C4225341, MONDO:0014620, OMIM 616398.

Submission:

Labcorp Genetics (formerly Invitae), Labcorp
Classification: Uncertain significance for Myoclonic dystonia 26. Last evaluated: 2022-07-19. Review status: criteria provided, single submitter. Criteria: Invitae Variant Classification Sherloc (09022015). Collection method: clinical testing. Allele origin: germline.
Comment: In summary, the available evidence is currently insufficient to determine the role of this variant in disease. Therefore, it has been classified as a Variant of Uncertain Significance. Algorithms developed to predict the effect of missense changes on protein structure and function are either unavailable or do not agree on the potential impact of this missense change (SIFT: "Deleterious"; PolyPhen-2: "Benign"; Align-GVGD: "Class C65"). ClinVar contains an entry for this variant (Variation ID: 655603). This variant has not been reported in the literature in individuals affected with KCTD17-related conditions. This variant is not present in population databases (gnomAD no frequency). This sequence change replaces lysine, which is basic and polar, with threonine, which is neutral and polar, at codon 211 of the KCTD17 protein (p.Lys211Thr).